The following is an entry in ClinVar:

ClinVar aggregate classification (germline): Likely benign. Review status: criteria provided, multiple submitters, no conflicts (2 of 4 stars). 3 submissions from 3 submitters: Likely benign (2). 1 of the submissions does not count toward it. Last evaluated 2024-09-06.

Conditions:
TRIO-related disorder. Also called: TRIO-related condition; TRIO-related disorders.

Allele frequency attached by ClinVar (database versions not stated): gnomAD 0.00002; gnomAD exomes 0.00003; ExAC 0.00004; TOPMed 0.00004.
gnomAD v4.1: 67 of 1,614,044 alleles (0.0042%); highest among the groups gnomAD compares: East Asian, 0.0045%; no homozygotes.

Submissions (3):

Blueprint Genetics
Classification: Likely benign. Last evaluated: 2024-09-06. Review status: criteria provided, single submitter. Criteria: ACMG Guidelines, 2015. Collection method: clinical testing. Allele origin: germline.

CeGaT Center for Human Genetics Tuebingen
Classification: Likely benign. Last evaluated: 2022-09-01. Review status: criteria provided, single submitter. Criteria: CeGaT Center For Human Genetics Tuebingen Variant Classification Criteria Version 2. Collection method: clinical testing. Allele origin: germline. Affected: yes. Observed: 1 variant allele.
Comment: TRIO: BP4, BP7

PreventionGenetics, part of Exact Sciences
Classification: Likely benign for TRIO-related condition. Last evaluated: 2023-08-14. Review status: no assertion criteria provided. Collection method: clinical testing. Allele origin: germline. Not counted in ClinVar's aggregate classification.
Comment: This variant is classified as likely benign based on ACMG/AMP sequence variant interpretation guidelines (Richards et al. 2015 PMID: 25741868, with internal and published modifications).

NM_007118.4(TRIO):c.4890C>T (p.Asp1630=)

Genes: TRIO (trio Rho guanine nucleotide exchange factor; plus strand), LOC126807322 (P300/CBP strongly-dependent group 1 enhancer GRCh37_chr5:14406263-14407462; plus strand). Cytogenetic location: 5p15.2.
Variant type: single nucleotide variant.
Coding change: c.4890C>T on transcript NM_007118.4 (MANE Select); coding-DNA position 4890, C replaced by T.
Protein change: p.Asp1630=; no amino-acid change (aspartic acid 1630 retained).
Molecular consequence: synonymous variant. On other transcripts: non-coding transcript variant (1).
Genome position (GRCh38, 1-based): chr5:14,406,603, C>T. VCF-style: chr5-14406603-C-T. GRCh37 (hg19) VCF-style: chr5-14406712-C-T.
Other names: c.4890C>T (NM_007118.3).
Identifiers: ClinVar variation 2655329 (VCV002655329.26), dbSNP rs780909267, ClinGen allele CA3206609.
Genomic context (GRCh38, chr5:14,406,603, plus strand): 5'-CAGGAACTAAAAGTTTCTTTGCACCGCCAGGGATGGAGAGGATCTGGACAGCCAAGGAGA[C>T]GGCAGCAGCCAGCCTGATACGATTTCCATCGCCTCACGGACGTCTCAGAACACGCTGGAC-3'
Protein context (NP_009049.2, residues 1620-1640): RDGEDLDSQG[Asp1630=]GSSQPDTISI